The following is an entry in ClinVar:

NM_000489.6(ATRX):c.2326A>C (p.Lys776Gln)

Gene: ATRX (ATRX chromatin remodeler; minus strand). Cytogenetic location: Xq21.1.
Variant type: single nucleotide variant.
Coding change: c.2326A>C on transcript NM_000489.6 (MANE Select); coding-DNA position 2326, A replaced by C.
Protein change: p.Lys776Gln; replaces lysine 776 with glutamine.
Molecular consequence: missense variant.
Genome position (GRCh38, 1-based): chrX:77,682,930, T>G on the plus strand (A>C on the coding strand, the complement: ATRX is on the minus strand). VCF-style: chrX-77682930-T-G. GRCh37 (hg19) VCF-style: chrX-76938422-T-G.
Other names: c.2212A>C, p.Lys738Gln (NM_138270.5); short protein forms K776Q, K738Q.
Identifiers: ClinVar variation 3634994 (VCV003634994.2).

ClinVar aggregate classification (germline): Uncertain significance (1 of 4 stars; one submission).

Conditions:
Alpha thalassemia-X-linked intellectual disability syndrome (ATRX). Also called: ALPHA-THALASSEMIA/MENTAL RETARDATION SYNDROME, X-LINKED; ATR, NONDELETION TYPE; ATR-X syndrome; Alpha thalassemia mental retardation syndrome, nondeletion type, X-linked; XLMR hypotonic face syndrome; X-linked alpha-thalassemia-mental retardation syndrome. Identifiers: Orphanet 847, MedGen C1845055, MONDO:0010519, OMIM 301040.

Submission:

Labcorp Genetics (formerly Invitae), Labcorp
Classification: Uncertain significance for Alpha thalassemia-X-linked intellectual disability syndrome. Last evaluated: 2024-12-22. Review status: criteria provided, single submitter. Criteria: Invitae Variant Classification Sherloc (09022015). Collection method: clinical testing. Allele origin: germline.
Comment: This sequence change replaces lysine, which is basic and polar, with glutamine, which is neutral and polar, at codon 776 of the ATRX protein (p.Lys776Gln). This variant is not present in population databases (gnomAD no frequency). This variant has not been reported in the literature in individuals affected with ATRX-related conditions. Invitae Evidence Modeling of protein sequence and biophysical properties (such as structural, functional, and spatial information, amino acid conservation, physicochemical variation, residue mobility, and thermodynamic stability) indicates that this missense variant is not expected to disrupt ATRX protein function with a negative predictive value of 95%. In summary, the available evidence is currently insufficient to determine the role of this variant in disease. Therefore, it has been classified as a Variant of Uncertain Significance.